The following is an entry in ClinVar:

ClinVar aggregate classification (germline): Uncertain significance (1 of 4 stars; one submission).

Conditions:
Inborn genetic diseases. Identifiers: MedGen C0950123, MeSH D030342.

Submission:

Ambry Genetics
Classification: Uncertain significance for Inborn genetic diseases. Last evaluated: 2025-04-17. Review status: criteria provided, single submitter. Criteria: Ambry Variant Classification Scheme 2023. Collection method: clinical testing. Allele origin: germline.
Comment: The p.L1135V variant (also known as c.3403C>G), located in coding exon 32 of the RTEL1 gene, results from a C to G substitution at nucleotide position 3403. The leucine at codon 1135 is replaced by valine, an amino acid with highly similar properties. This amino acid position is conserved. In addition, the in silico prediction for this alteration is inconclusive. Based on the available evidence, the clinical significance of this variant remains unclear.

NM_001283009.2(RTEL1):c.3403C>G (p.Leu1135Val)

Genes: RTEL1 (regulator of telomere elongation helicase 1; plus strand), RTEL1-TNFRSF6B (RTEL1-TNFRSF6B readthrough (NMD candidate); plus strand). Cytogenetic location: 20q13.33.
Variant type: single nucleotide variant.
Coding change: c.3403C>G on transcript NM_001283009.2 (MANE Select); coding-DNA position 3403, C replaced by G.
Protein change: p.Leu1135Val; replaces leucine 1135 with valine.
Molecular consequence: missense variant. On other transcripts: non-coding transcript variant (1).
Genome position (GRCh38, 1-based): chr20:63,695,125, C>G. VCF-style: chr20-63695125-C-G. GRCh37 (hg19) VCF-style: chr20-62326478-C-G.
Other names: c.2734C>G, p.Leu912Val (NM_001283010.1); c.3403C>G, p.Leu1135Val (NM_016434.4); c.3475C>G, p.Leu1159Val (NM_032957.5); short protein forms L1135V, L1159V, L912V.
Identifiers: ClinVar variation 3948329 (VCV003948329.1).